The following is an entry in ClinVar:

ClinVar aggregate classification (germline): Uncertain significance (1 of 4 stars; one submission).

Conditions:
Glycogen storage disease type III (GSD3). Also called: Cori disease; FORBES DISEASE. Identifiers: Orphanet 366, MedGen C0017922, MONDO:0009291, OMIM 232400.

Submission:

Labcorp Genetics (formerly Invitae), Labcorp
Classification: Uncertain significance for Glycogen storage disease type III. Last evaluated: 2022-07-25. Review status: criteria provided, single submitter. Criteria: Invitae Variant Classification Sherloc (09022015). Collection method: clinical testing. Allele origin: germline.
Comment: In summary, the available evidence is currently insufficient to determine the role of this variant in disease. Therefore, it has been classified as a Variant of Uncertain Significance. Algorithms developed to predict the effect of sequence changes on RNA splicing suggest that this variant may disrupt the consensus splice site. Algorithms developed to predict the effect of missense changes on protein structure and function are either unavailable or do not agree on the potential impact of this missense change (SIFT: "Deleterious"; PolyPhen-2: "Probably Damaging"; Align-GVGD: "Class C0"). ClinVar contains an entry for this variant (Variation ID: 1474668). This variant has not been reported in the literature in individuals affected with AGL-related conditions. This variant is not present in population databases (gnomAD no frequency). This sequence change replaces glycine, which is neutral and non-polar, with alanine, which is neutral and non-polar, at codon 154 of the AGL protein (p.Gly154Ala).

NM_000642.3(AGL):c.461G>C (p.Gly154Ala)

Gene: AGL (amylo-alpha-1,6-glucosidase and 4-alpha-glucanotransferase; plus strand). Cytogenetic location: 1p21.2.
Variant type: single nucleotide variant.
Coding change: c.461G>C on transcript NM_000642.3 (MANE Select); coding-DNA position 461, G replaced by C.
Protein change: p.Gly154Ala; replaces glycine 154 with alanine.
Molecular consequence: missense variant.
Genome position (GRCh38, 1-based): chr1:99,864,386, G>C. VCF-style: chr1-99864386-G-C. GRCh37 (hg19) VCF-style: chr1-100329942-G-C.
Other names: c.461G>C, p.Gly154Ala (NM_000028.3, NM_000643.3, NM_000644.3 and 3 more transcripts); c.413G>C, p.Gly138Ala (NM_000646.3); c.83G>C, p.Gly28Ala (NM_001425332.1); short protein forms G154A, G138A, G28A.
Identifiers: ClinVar variation 1474668 (VCV001474668.6), dbSNP rs199622995, ClinGen allele CA341334491.